The following is an entry in ClinVar:

ClinVar aggregate classification (germline): Uncertain significance. Review status: criteria provided, multiple submitters, no conflicts (2 of 4 stars). 2 submissions from 2 submitters: Uncertain significance (2). Last evaluated 2026-04-28.

Conditions:
Inborn genetic diseases. Identifiers: MedGen C0950123, MeSH D030342.

gnomAD v4.1: 1 of 1,591,626 alleles (0.000063%); highest among the groups gnomAD compares: Non-Finnish European, 0.000086%; no homozygotes.

Submissions (2):

Ambry Genetics
Classification: Uncertain significance for Inborn genetic diseases. Last evaluated: 2026-04-28. Review status: criteria provided, single submitter. Criteria: Ambry Variant Classification Scheme 2023. Collection method: clinical testing. Allele origin: germline.

GeneDx
Classification: Uncertain significance. Last evaluated: 2024-12-20. Review status: criteria provided, single submitter. Criteria: GeneDx Variant Classification Process June 2021. Collection method: clinical testing. Allele origin: germline. Affected: yes.
Comment: Not observed at significant frequency in large population cohorts (gnomAD); In silico analysis indicates that this missense variant does not alter protein structure/function; Has not been previously published as pathogenic or benign to our knowledge

NM_005422.4(TECTA):c.5368C>A (p.Pro1790Thr)

Genes: TBCEL-TECTA (TBCEL-TECTA readthrough; plus strand), TECTA (tectorin alpha; plus strand). Cytogenetic location: 11q23.3.
Variant type: single nucleotide variant.
Coding change: c.5368C>A on transcript NM_005422.4 (MANE Select); coding-DNA position 5368, C replaced by A.
Protein change: p.Pro1790Thr; replaces proline 1790 with threonine.
Molecular consequence: missense variant.
Genome position (GRCh38, 1-based): chr11:121,165,368, C>A. VCF-style: chr11-121165368-C-A. GRCh37 (hg19) VCF-style: chr11-121036077-C-A.
Other names: c.6310C>A, p.Pro2104Thr (NM_001378761.1); short protein forms P1790T, P2104T.
Identifiers: ClinVar variation 3906720 (VCV003906720.2).
Genomic context (GRCh38, chr11:121,165,368, plus strand): 5'-TGTCCCAACCGAACTTGCGAGCTGGGCAATGGCAGGGAGCTGTGTGGCTGCATCGAGCCA[C>A]CCCCCTATGGAAATAGTGAGTGACATGGGCCACCTCCCCACCCAGAAAGGCCCCATGGGA-3'
Protein context (NP_005413.2, residues 1780-1800): GRELCGCIEP[Pro1790Thr]PYGNNSHDII